The following is an entry in ClinVar:

ClinVar aggregate classification (germline): Benign (1 of 4 stars; one submission).

Conditions:
Cone-rod dystrophy 15 (CORD15). Identifiers: MedGen C3150912, MONDO:0013348, OMIM 613660.

Allele frequency attached by ClinVar (database versions not stated): gnomAD exomes 0.00092; 1000 Genomes Project 0.01038; gnomAD 0.01171 and 0.01276; 1000 Genomes Project 30x 0.01249; TOPMed 0.01300.

Submission:

Illumina Laboratory Services, Illumina
Classification: Benign for Cone-rod dystrophy 15. Last evaluated: 2018-01-12. Review status: criteria provided, single submitter. Criteria: ICSL Variant Classification Criteria 13 December 2019. Collection method: clinical testing. Allele origin: germline.
Comment: This variant was observed in the ICSL laboratory as part of a predisposition screen in an ostensibly healthy population. It had not been previously curated by ICSL or reported in the Human Gene Mutation Database (HGMD: prior to June 1st, 2018), and was therefore a candidate for classification through an automated scoring system. Utilizing variant allele frequency, disease prevalence and penetrance estimates, and inheritance mode, an automated score was calculated to assess if this variant is too frequent to cause the disease. Based on the score and internal cut-off values, a variant classified as benign is not then subjected to further curation. The score for this variant resulted in a classification of benign for this disease.

NM_033100.4(CDHR1):c.*3504A>C

Gene: CDHR1 (cadherin related family member 1; plus strand). Cytogenetic location: 10q23.1.
Variant type: single nucleotide variant.
Coding change: c.*3504A>C on transcript NM_033100.4 (MANE Select); 3504 bases downstream of the stop codon, A replaced by C.
Molecular consequence: 3 prime UTR variant. On other transcripts: intron variant (1).
Genome position (GRCh38, 1-based): chr10:84,218,125, A>C. VCF-style: chr10-84218125-A-C. GRCh37 (hg19) VCF-style: chr10-85977881-A-C.
Other names: c.2041-954A>C (NM_001171971.3).
Identifiers: ClinVar variation 878200 (VCV000878200.4), dbSNP rs114617516, ClinGen allele CA210388927.